The following is an entry in ClinVar:

NM_000160.5(GCGR):c.437C>T (p.Thr146Ile)

Gene: GCGR (glucagon receptor; plus strand). Cytogenetic location: 17q25.3.
Variant type: single nucleotide variant.
Coding change: c.437C>T on transcript NM_000160.5 (MANE Select); coding-DNA position 437, C replaced by T.
Protein change: p.Thr146Ile; replaces threonine 146 with isoleucine.
Molecular consequence: missense variant.
Genome position (GRCh38, 1-based): chr17:81,811,265, C>T. VCF-style: chr17-81811265-C-T. GRCh37 (hg19) VCF-style: chr17-79769141-C-T.
Other names: short protein forms T146I.
Identifiers: ClinVar variation 1370949 (VCV001370949.6), dbSNP rs1420954588, ClinGen allele CA401494152.
Genomic context (GRCh38, chr17:81,811,265, plus strand): 5'-GCCACTGTAACTCGCAGAAGGAGGTGGCCAAGATGTACAGCAGCTTCCAGGTGATGTACA[C>T]AGTGGGCTACAGCCTGTCCCTGGGGGCCCTGCTCCTCGCCTTGGCCATCCTGGGGGGCCT-3'
Protein context (NP_000151.1, residues 136-156): KMYSSFQVMY[Thr146Ile]VGYSLSLGAL

ClinVar aggregate classification (germline): Uncertain significance (1 of 4 stars; one submission).

gnomAD v4.1: 1 of 1,536,210 alleles (0.000065%); highest among the groups gnomAD compares: South Asian, 0.0012%; no homozygotes.

Submission:

Labcorp Genetics (formerly Invitae), Labcorp
Classification: Uncertain significance. Last evaluated: 2024-01-24. Review status: criteria provided, single submitter. Criteria: Invitae Variant Classification Sherloc (09022015). Collection method: clinical testing. Allele origin: germline.
Comment: This sequence change replaces threonine, which is neutral and polar, with isoleucine, which is neutral and non-polar, at codon 146 of the GCGR protein (p.Thr146Ile). This variant is not present in population databases (gnomAD no frequency). This variant has not been reported in the literature in individuals affected with GCGR-related conditions. ClinVar contains an entry for this variant (Variation ID: 1370949). An algorithm developed to predict the effect of missense changes on protein structure and function (PolyPhen-2) suggests that this variant is likely to be disruptive. In summary, the available evidence is currently insufficient to determine the role of this variant in disease. Therefore, it has been classified as a Variant of Uncertain Significance.